The following is an entry in ClinVar:

ClinVar aggregate classification (germline): Likely benign (0 of 4 stars; one submission).

Conditions:
NRP2-related disorder. Also called: NRP2-related condition.

Submission:

PreventionGenetics, part of Exact Sciences
Classification: Likely benign for NRP2-related condition. Last evaluated: 2021-06-24. Review status: no assertion criteria provided. Collection method: clinical testing. Allele origin: germline.
Comment: This variant is classified as likely benign based on ACMG/AMP sequence variant interpretation guidelines (Richards et al. 2015 PMID: 25741868, with internal and published modifications).

NM_003872.3(NRP2):c.2307+6G>A

Gene: NRP2 (neuropilin 2; plus strand). Cytogenetic location: 2q33.3.
Variant type: single nucleotide variant.
Coding change: c.2307+6G>A on transcript NM_003872.3 (MANE Select); 6 bases into the intron after coding-DNA position 2307, G replaced by A.
Molecular consequence: intron variant.
Genome position (GRCh38, 1-based): chr2:205,763,942, G>A. VCF-style: chr2-205763942-G-A. GRCh37 (hg19) VCF-style: chr2-206628666-G-A.
Other names: c.2307+6G>A (NM_201266.2, NM_201279.2, NM_018534.4 and 1 more transcripts).
Identifiers: ClinVar variation 3029834 (VCV003029834.2), dbSNP rs2469194366, ClinGen allele CA431108748.